The following is an entry in ClinVar:

ClinVar aggregate classification (germline): Likely pathogenic (1 of 4 stars; one submission).

Conditions:
Fanconi anemia (FA). Also called: Fanconi's anemia. Identifiers: Orphanet 84, MedGen C0015625, MeSH D005199, MONDO:0019391.

Allele frequency attached by ClinVar (database versions not stated): TOPMed 0.00001.

Submission:

Sema4
Classification: Likely pathogenic for Fanconi anemia. Last evaluated: 2021-05-27. Review status: criteria provided, single submitter. Criteria: Sema4 Curation Guidelines. Collection method: curation. Allele origin: germline.
Comment: The FANCF c.1A>C (p.M1?) variant has not been reported in the literature to our knowledge. This variant is predicted to destroy the translation initiation codon leading to absent or N-terminal truncated protein. The next in-frame methionine is located at codon 145. While functional studies have not been performed to test the effect of this variant on protein, the disruption of the protein is causative of disease. This variant is not reported in the Genome Aggregation Database (PMID: 32461654). The variant has not been reported in ClinVar. Based on the current evidence available, this variant is interpreted as likely pathogenic.

NM_022725.4(FANCF):c.1A>C (p.Met1Leu)

Gene: FANCF (FA complementation group F; minus strand). Cytogenetic location: 11p14.3.
Variant type: single nucleotide variant.
Coding change: c.1A>C on transcript NM_022725.4 (MANE Select); coding-DNA position 1, A replaced by C.
Protein change: p.Met1Leu; changes the start codon (methionine 1).
Molecular consequence: missense variant, initiator codon variant.
Genome position (GRCh38, 1-based): chr11:22,625,810, T>G on the plus strand (A>C on the coding strand, the complement: FANCF is on the minus strand). VCF-style: chr11-22625810-T-G. GRCh37 (hg19) VCF-style: chr11-22647356-T-G.
Other names: short protein forms M1L.
Identifiers: ClinVar variation 1691924 (VCV001691924.2), dbSNP rs1046564488, ClinGen allele CA219086681.
Genomic context (GRCh38, chr11:22,625,810, plus strand): 5'-TAGTGCTTGAGACCGCCAGAAGCTCGGAAAAGCGATCCAGGTGCTGCAGAAGGGATTCCA[T>G]GAGGTGCGCGAAGGCCCTACTTCCGCTTTCACCTTGGAGACGGCGACTCTCTGCGTACTG-3'
Protein context (NP_073562.1, residues 1-11): [Met1Leu]ESLLQHLDRF